The following is an entry in ClinVar:

NM_031885.5(BBS2):c.1527+3_1527+6del

Gene: BBS2 (Bardet-Biedl syndrome 2; minus strand). Cytogenetic location: 16q13.
Variant type: Deletion.
Coding change: c.1527+3_1527+6del on transcript NM_031885.5 (MANE Select); bases 3 to 6 of the intron after coding-DNA position 1527, 4 bases deleted (GAGT; older notation c.1527+3_1527+6delGAGT).
Molecular consequence: splice donor variant.
Genome position (GRCh38, 1-based): chr16:56,499,772-56,499,775, ACTC deleted on the plus strand (GAGT on the coding strand, the reverse complement: BBS2 is on the minus strand); deleting any 4 consecutive bases within chr16:56,499,772-56,499,777 gives the same sequence; the c. name uses the placement nearest the transcript's 3' end. VCF-style (leftmost placement, unchanged base first): chr16-56499771-TACTC-T. GRCh37 (hg19) VCF-style: chr16-56533683-TACTC-T.
Other names: c.1527+3_1527+6del (NM_001377456.1).
Identifiers: ClinVar variation 1389083 (VCV001389083.5), dbSNP rs1964208752, ClinGen allele CA977624091.

ClinVar aggregate classification (germline): Uncertain significance (1 of 4 stars; one submission).

Conditions:
Bardet-Biedl syndrome (BBS). Identifiers: Orphanet 110, MedGen C0752166, MONDO:0015229.

Submission:

Labcorp Genetics (formerly Invitae), Labcorp
Classification: Uncertain significance for Bardet-Biedl syndrome. Last evaluated: 2025-10-01. Review status: criteria provided, single submitter. Criteria: Invitae Variant Classification Sherloc (09022015). Collection method: clinical testing. Allele origin: germline.
Comment: This sequence change falls in intron 12 of the BBS2 gene. It does not directly change the encoded amino acid sequence of the BBS2 protein. It affects a nucleotide within the consensus splice site. This variant is not present in population databases (gnomAD no frequency). This variant has not been reported in the literature in individuals affected with BBS2-related conditions. ClinVar contains an entry for this variant (Variation ID: 1389083). Variants that disrupt the consensus splice site are a relatively common cause of aberrant splicing (PMID: 17576681, 9536098). Algorithms developed to predict the effect of sequence changes on RNA splicing suggest that this variant may disrupt the consensus splice site. In summary, the available evidence is currently insufficient to determine the role of this variant in disease. Therefore, it has been classified as a Variant of Uncertain Significance.

Literature cited by the submitters: PubMed 17576681; PubMed 9536098.